The following is an entry in ClinVar:

ClinVar aggregate classification (germline): Uncertain significance (1 of 4 stars; one submission).

gnomAD v4.1: 1 of 1,613,994 alleles (0.000062%); highest among the groups gnomAD compares: Admixed American, 0.0017%; no homozygotes.

Submission:

Ambry Genetics
Classification: Uncertain significance. Last evaluated: 2024-12-12. Review status: criteria provided, single submitter. Criteria: Ambry Variant Classification Scheme 2023. Collection method: clinical testing. Allele origin: germline.
Comment: The p.P335L variant (also known as c.1004C>T), located in coding exon 1 of the TET2 gene, results from a C to T substitution at nucleotide position 1004. The proline at codon 335 is replaced by leucine, an amino acid with similar properties. This amino acid position is conserved. In addition, this alteration is predicted to be tolerated by in silico analysis. Based on the available evidence, the clinical significance of this variant remains unclear.

NM_001127208.3(TET2):c.1004C>T (p.Pro335Leu)

Genes: TET2 (tet methylcytosine dioxygenase 2; plus strand), TET2-AS1 (TET2 antisense RNA 1; minus strand). Cytogenetic location: 4q24.
Variant type: single nucleotide variant.
Coding change: c.1004C>T on transcript NM_001127208.3 (MANE Select); coding-DNA position 1004, C replaced by T.
Protein change: p.Pro335Leu; replaces proline 335 with leucine.
Molecular consequence: missense variant.
Genome position (GRCh38, 1-based): chr4:105,234,946, C>T. VCF-style: chr4-105234946-C-T. GRCh37 (hg19) VCF-style: chr4-106156103-C-T.
Other names: c.1004C>T, p.Pro335Leu (NM_017628.4); short protein forms P335L.
Identifiers: ClinVar variation 3805850 (VCV003805850.1).
Genomic context (GRCh38, chr4:105,234,946, plus strand): 5'-CCTTTCAGAAACCAGAACAACTACAACAACAAAAATCAGTTTTTGAGATATGCCCATCTC[C>T]TGCAGAAAATAACATCCAGGGAACCACAAAGCTAGCGTCTGGTGAAGAATTCTGTTCAGG-3'
Protein context (NP_001120680.1, residues 325-345): QKSVFEICPS[Pro335Leu]AENNIQGTTK